The following is an entry in ClinVar:

NM_001492.6(GDF1):c.1043T>C (p.Leu348Pro)

Genes: CERS1 (ceramide synthase 1; minus strand), GDF1 (growth differentiation factor 1; minus strand). Cytogenetic location: 19p13.11.
Variant type: single nucleotide variant.
Coding change: c.1043T>C on transcript NM_001492.6 (MANE Select); coding-DNA position 1043, T replaced by C.
Protein change: p.Leu348Pro; replaces leucine 348 with proline.
Molecular consequence: missense variant. On other transcripts: 3 prime UTR variant (2).
Genome position (GRCh38, 1-based): chr19:18,868,673, A>G on the plus strand (T>C on the coding strand, the complement: GDF1 is on the minus strand). VCF-style: chr19-18868673-A-G. GRCh37 (hg19) VCF-style: chr19-18979482-A-G.
Other names: c.*1904T>C (NM_001387440.1); c.*1312T>C (NM_021267.5); c.1043T>C, p.Leu348Pro (NM_001387438.1); short protein forms L348P.
Identifiers: ClinVar variation 2737779 (VCV002737779.3), dbSNP rs2512951970, ClinGen allele CA404861840.

ClinVar aggregate classification (germline): Uncertain significance (1 of 4 stars; one submission).

Allele frequency attached by ClinVar (database versions not stated): gnomAD exomes below 0.00001.
gnomAD v4.1: 1 of 1,573,810 alleles (0.000064%); highest among the groups gnomAD compares: South Asian, 0.0012%; no homozygotes.

Submission:

Labcorp Genetics (formerly Invitae), Labcorp
Classification: Uncertain significance. Last evaluated: 2023-07-28. Review status: criteria provided, single submitter. Criteria: Invitae Variant Classification Sherloc (09022015). Collection method: clinical testing. Allele origin: germline.
Comment: Advanced modeling of protein sequence and biophysical properties (such as structural, functional, and spatial information, amino acid conservation, physicochemical variation, residue mobility, and thermodynamic stability) performed at Invitae indicates that this missense variant is expected to disrupt GDF1 protein function. This variant has not been reported in the literature in individuals affected with GDF1-related conditions. This variant is not present in population databases (gnomAD no frequency). This sequence change replaces leucine, which is neutral and non-polar, with proline, which is neutral and non-polar, at codon 348 of the GDF1 protein (p.Leu348Pro). In summary, the available evidence is currently insufficient to determine the role of this variant in disease. Therefore, it has been classified as a Variant of Uncertain Significance.